The following is an entry in ClinVar:

ClinVar aggregate classification (germline): Uncertain significance (1 of 4 stars; one submission).

Conditions:
DICER1-related tumor predisposition. Also called: DICER1 syndrome; DICER1-related pleuropulmonary blastoma cancer predisposition syndrome. Identifiers: Orphanet 284343, MedGen C3839822, MONDO:0100216.

Submission:

Labcorp Genetics (formerly Invitae), Labcorp
Classification: Uncertain significance for DICER1-related tumor predisposition. Last evaluated: 2020-11-11. Review status: criteria provided, single submitter. Criteria: Invitae Variant Classification Sherloc (09022015). Collection method: clinical testing. Allele origin: germline.
Comment: This variant has not been reported in the literature in individuals with DICER1-related conditions. This sequence change replaces serine with cysteine at codon 10 of the DICER1 protein (p.Ser10Cys). The serine residue is moderately conserved and there is a moderate physicochemical difference between serine and cysteine. This variant is not present in population databases (ExAC no frequency). Algorithms developed to predict the effect of missense changes on protein structure and function are either unavailable or do not agree on the potential impact of this missense change (SIFT: "Deleterious"; PolyPhen-2: "Benign"; Align-GVGD: "Class C0"). In summary, the available evidence is currently insufficient to determine the role of this variant in disease. Therefore, it has been classified as a Variant of Uncertain Significance.

NM_177438.3(DICER1):c.28A>T (p.Ser10Cys)

Gene: DICER1 (dicer 1, ribonuclease III; minus strand). Cytogenetic location: 14q32.13.
Variant type: single nucleotide variant.
Coding change: c.28A>T on transcript NM_177438.3 (MANE Select); coding-DNA position 28, A replaced by T.
Protein change: p.Ser10Cys; replaces serine 10 with cysteine.
Molecular consequence: missense variant.
Genome position (GRCh38, 1-based): chr14:95,133,431, T>A on the plus strand (A>T on the coding strand, the complement: DICER1 is on the minus strand). VCF-style: chr14-95133431-T-A. GRCh37 (hg19) VCF-style: chr14-95599768-T-A.
Other names: c.28A>T, p.Ser10Cys (NM_001195573.1, NM_001271282.3, NM_001291628.2 and 1 more transcripts); short protein forms S10C.
Identifiers: ClinVar variation 1498598 (VCV001498598.9), dbSNP rs2140296577, ClinGen allele CA390890765.